The following is an entry in ClinVar:

ClinVar aggregate classification (germline): Uncertain significance (1 of 4 stars; one submission).

Conditions:
Inborn genetic diseases. Identifiers: MedGen C0950123, MeSH D030342.

gnomAD v4.1: 1 of 1,614,104 alleles (0.000062%); highest among the groups gnomAD compares: Non-Finnish European, 0.000085%; no homozygotes.

Submission:

Ambry Genetics
Classification: Uncertain significance for Inborn genetic diseases. Last evaluated: 2025-11-15. Review status: criteria provided, single submitter. Criteria: Ambry Variant Classification Scheme 2023. Collection method: clinical testing. Allele origin: germline.
Comment: The p.V598M variant (also known as c.1792G>A), located in coding exon 16 of the KDM1A gene, results from a G to A substitution at nucleotide position 1792. The valine at codon 598 is replaced by methionine, an amino acid with highly similar properties. This amino acid position is conserved. In addition, the in silico prediction for this alteration is inconclusive. Based on the available evidence, the clinical significance of this variant remains unclear.

NM_001009999.3(KDM1A):c.1792G>A (p.Val598Met)

Gene: KDM1A (lysine demethylase 1A; plus strand). Cytogenetic location: 1p36.12.
Variant type: single nucleotide variant.
Coding change: c.1792G>A on transcript NM_001009999.3 (MANE Select); coding-DNA position 1792, G replaced by A.
Protein change: p.Val598Met; replaces valine 598 with methionine.
Molecular consequence: missense variant.
Genome position (GRCh38, 1-based): chr1:23,077,285, G>A. VCF-style: chr1-23077285-G-A. GRCh37 (hg19) VCF-style: chr1-23403778-G-A.
Other names: c.1738G>A, p.Val580Met (NM_001363654.2); c.1798G>A, p.Val600Met (NM_001410762.1); c.1720G>A, p.Val574Met (NM_001410763.1, NM_015013.4); short protein forms V574M, V600M, V580M, V598M.
Identifiers: ClinVar variation 4622713 (VCV004622713.1).